The following is an entry in ClinVar:

ClinVar aggregate classification (germline): Uncertain significance. Review status: criteria provided, multiple submitters, no conflicts (2 of 4 stars). 2 submissions from 2 submitters: Uncertain significance (2). Last evaluated 2023-12-18.

Conditions:
Inborn genetic diseases. Identifiers: MedGen C0950123, MeSH D030342.

gnomAD v4.1: 15 of 1,159,128 alleles (0.0013%); highest among the groups gnomAD compares: African/African-American, 0.0018%; no homozygotes.

Submissions (2):

Labcorp Genetics (formerly Invitae), Labcorp
Classification: Uncertain significance. Last evaluated: 2023-12-18. Review status: criteria provided, single submitter. Criteria: Invitae Variant Classification Sherloc (09022015). Collection method: clinical testing. Allele origin: germline.
Comment: This sequence change replaces valine, which is neutral and non-polar, with leucine, which is neutral and non-polar, at codon 879 of the POLA1 protein (p.Val879Leu). This variant is not present in population databases (gnomAD no frequency). This variant has not been reported in the literature in individuals affected with POLA1-related conditions. ClinVar contains an entry for this variant (Variation ID: 1390347). Advanced modeling of protein sequence and biophysical properties (such as structural, functional, and spatial information, amino acid conservation, physicochemical variation, residue mobility, and thermodynamic stability) performed at Invitae indicates that this missense variant is not expected to disrupt POLA1 protein function with a negative predictive value of 80%. In summary, the available evidence is currently insufficient to determine the role of this variant in disease. Therefore, it has been classified as a Variant of Uncertain Significance.

Ambry Genetics
Classification: Uncertain significance for Inborn genetic diseases. Last evaluated: 2023-01-31. Review status: criteria provided, single submitter. Criteria: Ambry Variant Classification Scheme 2023. Collection method: clinical testing. Allele origin: germline.

NM_001330360.2(POLA1):c.2653G>C (p.Val885Leu)

Gene: POLA1 (DNA polymerase alpha 1, catalytic subunit; plus strand). Cytogenetic location: Xp22.11.
Variant type: single nucleotide variant.
Coding change: c.2653G>C on transcript NM_001330360.2 (MANE Select); coding-DNA position 2653, G replaced by C.
Protein change: p.Val885Leu; replaces valine 885 with leucine.
Molecular consequence: missense variant. On other transcripts: non-coding transcript variant (2).
Genome position (GRCh38, 1-based): chrX:24,745,504, G>C. VCF-style: chrX-24745504-G-C. GRCh37 (hg19) VCF-style: chrX-24763621-G-C.
Other names: c.2635G>C (NM_016937.3); c.2578G>C, p.Val860Leu (NM_001378303.1); c.2635G>C, p.Val879Leu (NM_016937.4); short protein forms V860L, V879L, V885L.
Identifiers: ClinVar variation 1390347 (VCV001390347.7), dbSNP rs1418257140, ClinGen allele CA412538033.